The following is an entry in ClinVar:

ClinVar aggregate classification (germline): Benign. Review status: criteria provided, multiple submitters, no conflicts (2 of 4 stars). 3 submissions from 3 submitters: Benign (2). 1 of the submissions does not count toward it. Last evaluated 2026-01-12.

Conditions:
RYR3-related disorder. Also called: RYR3-related condition.
Epileptic encephalopathy. Identifiers: MedGen C0543888, HP:0200134.

Allele frequency attached by ClinVar (database versions not stated): 1000 Genomes Project 0.00699; 1000 Genomes Project 30x 0.00718; ExAC 0.01554; gnomAD exomes 0.01558 and 0.02514; TOPMed 0.01673; gnomAD 0.01721 and 0.01751; ESP Exome Variant Server 0.01938.
gnomAD v4.1: 39,144 of 1,613,704 alleles (2.4%); highest among the groups gnomAD compares: Non-Finnish European, 3%; 608 homozygotes.

Submissions (3):

Labcorp Genetics (formerly Invitae), Labcorp
Classification: Benign for Epileptic encephalopathy. Last evaluated: 2026-01-12. Review status: criteria provided, single submitter. Criteria: Invitae Variant Classification Sherloc (09022015). Collection method: clinical testing. Allele origin: germline.

Breakthrough Genomics
Classification: Benign. Review status: criteria provided, single submitter. Criteria: ACMG Guidelines, 2015. Collection method: not provided. Allele origin: germline. Inheritance: Unknown mechanism. Affected: yes.

PreventionGenetics, part of Exact Sciences
Classification: Benign for RYR3-related condition. Last evaluated: 2020-07-13. Review status: no assertion criteria provided. Collection method: clinical testing. Allele origin: germline. Not counted in ClinVar's aggregate classification.
Comment: This variant is classified as benign based on ACMG/AMP sequence variant interpretation guidelines (Richards et al. 2015 PMID: 25741868, with internal and published modifications).

NM_001036.6(RYR3):c.9816C>T (p.Tyr3272=)

Gene: RYR3 (ryanodine receptor 3; plus strand). Cytogenetic location: 15q14.
Variant type: single nucleotide variant.
Coding change: c.9816C>T on transcript NM_001036.6 (MANE Select); coding-DNA position 9816, C replaced by T.
Protein change: p.Tyr3272=; no amino-acid change (tyrosine 3272 retained).
Molecular consequence: synonymous variant.
Genome position (GRCh38, 1-based): chr15:33,788,444, C>T. VCF-style: chr15-33788444-C-T. GRCh37 (hg19) VCF-style: chr15-34080645-C-T.
Other names: c.9816C>T, p.Tyr3272= (NM_001243996.4).
Identifiers: ClinVar variation 461991 (VCV000461991.13), dbSNP rs61996336, ClinGen allele CA7460616.
Genomic context (GRCh38, chr15:33,788,444, plus strand): 5'-GGACGAGTTCGCGGTCCTCTGCAGAGATCTCTATGCCTTCTACCCCATGCTGATCCGCTA[C>T]GTGGACAACAACAGGTACGGAGGAGAGCACTAGGAGCCTGTCTGCCCCTCTGTGGGGCTA-3'
Protein context (NP_001027.3, residues 3262-3282): LYAFYPMLIR[Tyr3272=]VDNNRSNWLK